The following is an entry in ClinVar:

NM_014008.5(CCDC22):c.51-9C>T

Gene: CCDC22 (CCC complex scaffolding subunit CCDC22; plus strand). Cytogenetic location: Xp11.23.
Variant type: single nucleotide variant.
Coding change: c.51-9C>T on transcript NM_014008.5 (MANE Select); 9 bases into the intron before coding-DNA position 51, C replaced by T.
Molecular consequence: intron variant.
Genome position (GRCh38, 1-based): chrX:49,237,077, C>T. VCF-style: chrX-49237077-C-T. GRCh37 (hg19) VCF-style: chrX-49093544-C-T.
Identifiers: ClinVar variation 3052729 (VCV003052729.2), dbSNP rs1443511548, ClinGen allele CA875948809.

ClinVar aggregate classification (germline): Likely benign (0 of 4 stars; one submission).

Conditions:
CCDC22-related disorder. Also called: CCDC22-related condition.

Allele frequency attached by ClinVar (database versions not stated): gnomAD 0.00001; TOPMed 0.00002.
gnomAD v4.1: 1 of 1,202,575 alleles (0.000083%); highest among the groups gnomAD compares: African/African-American, 0.0017%; no homozygotes.

Submission:

PreventionGenetics, part of Exact Sciences
Classification: Likely benign for CCDC22-related condition. Last evaluated: 2023-01-09. Review status: no assertion criteria provided. Collection method: clinical testing. Allele origin: germline.
Comment: This variant is classified as likely benign based on ACMG/AMP sequence variant interpretation guidelines (Richards et al. 2015 PMID: 25741868, with internal and published modifications).